The following is an entry in ClinVar:

NM_138959.3(VANGL1):c.*3598A>G

Gene: VANGL1 (VANGL planar cell polarity protein 1; plus strand). Cytogenetic location: 1p13.1.
Variant type: single nucleotide variant.
Coding change: c.*3598A>G on transcript NM_138959.3 (MANE Select); 3598 bases downstream of the stop codon, A replaced by G.
Molecular consequence: 3 prime UTR variant.
Genome position (GRCh38, 1-based): chr1:115,694,977, A>G. VCF-style: chr1-115694977-A-G. GRCh37 (hg19) VCF-style: chr1-116237598-A-G.
Other names: c.*3598A>G (NM_001172411.2, NM_001172412.2).
Identifiers: ClinVar variation 292069 (VCV000292069.5), dbSNP rs187286147, ClinGen allele CA10607570.
Genomic context (GRCh38, chr1:115,694,977, plus strand): 5'-AGTCCCCTGTGTTTGAGAGATGACTTAATAACCCTGTGTTTTGAGAGGTCGCTCTAAACC[A>G]GTGACTTTTCCCTCCCCTGCTTTATTCCTTTCCCTCACTGACACTGGCTTCTCCCGCTAG-3'

ClinVar aggregate classification (germline): Conflicting classifications of pathogenicity. Review status: criteria provided, conflicting classifications (1 of 4 stars). 2 submissions from 1 submitter: Uncertain significance (1); Benign (1). Last evaluated 2018-01-13.

Conditions:
Sacral defect with anterior meningocele. Identifiers: MedGen C1838568, OMIM 600145.
Neural tube defect (NTD). Also called: Neural tube defects. Identifiers: Orphanet 3388, Orphanet 823, MedGen C0027794, MONDO:0018075, HP:0045005.

Allele frequency attached by ClinVar (database versions not stated): TOPMed 0.00033; gnomAD 0.00036 and 0.00038; 1000 Genomes Project 0.00040; 1000 Genomes Project 30x 0.00047.

Submissions (2):

Illumina Laboratory Services, Illumina
Classification: Benign for Sacral defect with anterior meningocele. Last evaluated: 2018-01-13. Review status: criteria provided, single submitter. Criteria: ICSL Variant Classification Criteria 13 December 2019. Collection method: clinical testing. Allele origin: germline.
Comment: This variant was observed in the ICSL laboratory as part of a predisposition screen in an ostensibly healthy population. It had not been previously curated by ICSL or reported in the Human Gene Mutation Database (HGMD: prior to June 1st, 2018), and was therefore a candidate for classification through an automated scoring system. Utilizing variant allele frequency, disease prevalence and penetrance estimates, and inheritance mode, an automated score was calculated to assess if this variant is too frequent to cause the disease. Based on the score and internal cut-off values, a variant classified as benign is not then subjected to further curation. The score for this variant resulted in a classification of benign for this disease.

Illumina Laboratory Services, Illumina
Classification: Uncertain significance for Neural tube defects, susceptibility to. Last evaluated: 2018-01-13. Review status: criteria provided, single submitter. Criteria: ICSL Variant Classification Criteria 13 December 2019. Collection method: clinical testing. Allele origin: germline.